The following is an entry in ClinVar:

ClinVar aggregate classification (germline): Pathogenic (1 of 4 stars; one submission).

Conditions:
Autoimmune lymphoproliferative syndrome type 1. Also called: AUTOIMMUNE LYMPHOPROLIFERATIVE SYNDROME, TYPE I, AUTOSOMAL DOMINANT. Identifiers: Orphanet 3261, MedGen C2717884, MONDO:0011158, OMIM 601859.

Submission:

Labcorp Genetics (formerly Invitae), Labcorp
Classification: Pathogenic for Autoimmune lymphoproliferative syndrome. Last evaluated: 2024-02-27. Review status: criteria provided, single submitter. Criteria: Invitae Variant Classification Sherloc (09022015). Collection method: clinical testing. Allele origin: germline.
Comment: This sequence change creates a premature translational stop signal (p.Leu294*) in the FAS gene. While this is not anticipated to result in nonsense mediated decay, it is expected to disrupt the last 42 amino acid(s) of the FAS protein. This variant is not present in population databases (gnomAD no frequency). This premature translational stop signal has been observed in individual(s) with autoimmune lymphoproliferative syndrome (PMID: 1090885, 23407489). This variant is also known as APT1 c.1074delT. ClinVar contains an entry for this variant (Variation ID: 2136918). Algorithms developed to predict the effect of variants on protein structure and function are not available or were not evaluated for this variant. Experimental studies have shown that this premature translational stop signal affects FAS function (PMID: 10090885, 21490157). For these reasons, this variant has been classified as Pathogenic.

Literature cited by the submitters: PubMed 1090885; PubMed 23407489; PubMed 10090885; PubMed 21490157.

NM_000043.6(FAS):c.881del (p.Thr293_Leu294insTer)

Gene: FAS (Fas cell surface death receptor; plus strand). Cytogenetic location: 10q23.31.
Variant type: Deletion.
Coding change: c.881del on transcript NM_000043.6 (MANE Select); coding-DNA position 881, one base deleted (T; older notation c.881delT).
Protein change: p.Thr293_Leu294insTer.
Molecular consequence: nonsense. On other transcripts: 3 prime UTR variant (2), frameshift variant (1), non-coding transcript variant (7).
Genome position (GRCh38, 1-based): chr10:89,014,323, T deleted; the last of 2 consecutive T bases (chr10:89,014,322-89,014,323); deleting either gives the same sequence. VCF-style (leftmost placement, unchanged base first): chr10-89014321-AT-A. GRCh37 (hg19) VCF-style: chr10-90774078-AT-A.
Other names: c.*204del (NM_001320619.2); c.926delT, p.Leu309Terfs (NM_001410956.1); c.818del, p.Thr272_Leu273insTer (NM_152871.4); c.*193del (NM_152872.4).
Identifiers: ClinVar variation 2136918 (VCV002136918.4), dbSNP rs2495228618, ClinGen allele CA2580082362.